The following is an entry in ClinVar:

NM_000975.5(RPL11):c.7-2A>T

Gene: RPL11 (ribosomal protein L11; plus strand). Cytogenetic location: 1p36.11.
Variant type: single nucleotide variant.
Coding change: c.7-2A>T on transcript NM_000975.5 (MANE Select); the canonical splice acceptor site of the intron before coding-DNA position 7, A replaced by T.
Molecular consequence: splice acceptor variant. On other transcripts: intron variant (1).
Genome position (GRCh38, 1-based): chr1:23,692,607, A>T. VCF-style: chr1-23692607-A-T. GRCh37 (hg19) VCF-style: chr1-24019097-A-T.
Other names: c.7-5A>T (NM_001199802.1).
Identifiers: ClinVar variation 4795439 (VCV004795439.1).

ClinVar aggregate classification (germline): Uncertain significance (1 of 4 stars; one submission).

Submission:

GeneDx
Classification: Uncertain significance. Last evaluated: 2021-10-21. Review status: criteria provided, single submitter. Criteria: GeneDx Variant Classification Process June 2021. Collection method: clinical testing. Allele origin: germline. Affected: yes.
Comment: Canonical splice site variant predicted to result in a null allele in a gene for which loss-of-function is a known mechanism of disease; Has not been previously published as pathogenic or benign to our knowledge